The following is an entry in ClinVar:

ClinVar aggregate classification (germline): Uncertain significance (1 of 4 stars; one submission).

Submission:

Labcorp Genetics (formerly Invitae), Labcorp
Classification: Uncertain significance. Last evaluated: 2022-10-28. Review status: criteria provided, single submitter. Criteria: Invitae Variant Classification Sherloc (09022015). Collection method: clinical testing. Allele origin: germline.
Comment: This variant has not been reported in the literature in individuals affected with NAXD-related conditions. In summary, the available evidence is currently insufficient to determine the role of this variant in disease. Therefore, it has been classified as a Variant of Uncertain Significance. Experimental studies and prediction algorithms are not available or were not evaluated, and the functional significance of this variant is currently unknown. ClinVar contains an entry for this variant (Variation ID: 1483134). This variant is not present in population databases (gnomAD no frequency). This sequence change creates a premature translational stop signal (p.Leu289Alafs*23) in the NAXD gene. While this is not anticipated to result in nonsense mediated decay, it is expected to disrupt the last 102 amino acid(s) of the NAXD protein.

NM_001242882.2(NAXD):c.809dup (p.Leu271fs)

Gene: NAXD (NAD(P)HX dehydratase; plus strand). Cytogenetic location: 13q34.
Variant type: Duplication.
Coding change: c.809dup on transcript NM_001242882.2 (MANE Select); coding-DNA position 809, one base duplicated (C; older notation c.809dupC).
Protein change: p.Leu271fs; shifts the reading frame from leucine 271.
Molecular consequence: frameshift variant. On other transcripts: non-coding transcript variant (2).
Genome position (GRCh38, 1-based): chr13:110,637,219, C duplicated. VCF-style (leftmost placement, unchanged base first): chr13-110637218-G-GC. GRCh37 (hg19) VCF-style: chr13-111289565-G-GC.
Other names: c.863dup, p.Leu289fs (NM_001242881.2, NM_018210.4); c.533dup, p.Leu179fs (NM_001242883.2); short protein forms L271fs, L289fs, L179fs.
Identifiers: ClinVar variation 1483134 (VCV001483134.6), dbSNP rs2139654261, ClinGen allele CA2573149461.